The following is an entry in ClinVar:

ClinVar aggregate classification (germline): Uncertain significance (1 of 4 stars; one submission).

Conditions:
Inborn genetic diseases. Identifiers: MedGen C0950123, MeSH D030342.

gnomAD v4.1: 4 of 1,614,078 alleles (0.00025%); highest among the groups gnomAD compares: East Asian, 0.0089%; no homozygotes.

Submission:

Ambry Genetics
Classification: Uncertain significance for Inborn genetic diseases. Last evaluated: 2025-07-06. Review status: criteria provided, single submitter. Criteria: Ambry Variant Classification Scheme 2023. Collection method: clinical testing. Allele origin: germline.
Comment: The p.G968D variant (also known as c.2903G>A), located in coding exon 13 of the BMPR2 gene, results from a G to A substitution at nucleotide position 2903. The glycine at codon 968 is replaced by aspartic acid, an amino acid with similar properties. This amino acid position is conserved. In addition, this alteration is predicted to be deleterious by in silico analysis. Based on the available evidence, the clinical significance of this variant remains unclear.

NM_001204.7(BMPR2):c.2903G>A (p.Gly968Asp)

Gene: BMPR2 (bone morphogenetic protein receptor type 2; plus strand). Cytogenetic location: 2q33.2.
Variant type: single nucleotide variant.
Coding change: c.2903G>A on transcript NM_001204.7 (MANE Select); coding-DNA position 2903, G replaced by A.
Protein change: p.Gly968Asp; replaces glycine 968 with aspartic acid.
Molecular consequence: missense variant.
Genome position (GRCh38, 1-based): chr2:202,559,732, G>A. VCF-style: chr2-202559732-G-A. GRCh37 (hg19) VCF-style: chr2-203424455-G-A.
Other names: short protein forms G968D.
Identifiers: ClinVar variation 4214431 (VCV004214431.1).
Genomic context (GRCh38, chr2:202,559,732, plus strand): 5'-ATTTTTCTGCACTTTTATTTTCAGTAGGTGAGTCAACACAAGATGGCAAATCAGGATCAG[G>A]TGAAAAGATCAAGAAACGTGTGAAAACTCCCTATTCTCTTAAGCGGTGGCGCCCCTCCAC-3'
Protein context (NP_001195.2, residues 958-978): ESTQDGKSGS[Gly968Asp]EKIKKRVKTP